The following is an entry in ClinVar:

ClinVar aggregate classification (germline): Uncertain significance. Review status: criteria provided, multiple submitters, no conflicts (2 of 4 stars). 6 submissions from 6 submitters: Uncertain significance (4). 2 of the submissions do not count toward it. Last evaluated 2026-05-18.

Conditions:
Sensorineural hearing loss disorder. Also called: Sensorineural Deafness; Sensorineural hearing loss; Sensorineural hearing impairment. Identifiers: MedGen C0018784, MeSH D006319, MONDO:0020678, HP:0000407.
ESPN-related disorder. Also called: ESPN-related condition.
Inborn genetic diseases. Identifiers: MedGen C0950123, MeSH D030342.

Allele frequency attached by ClinVar (database versions not stated): ExAC 0.00002; gnomAD exomes 0.00002; gnomAD 0.00003; TOPMed 0.00005.

Submissions (6):

PreventionGenetics, part of Exact Sciences
Classification: Uncertain significance for ESPN-related condition. Last evaluated: 2026-05-18. Review status: criteria provided, single submitter. Criteria: ACMG Guidelines, 2015. Collection method: clinical testing. Allele origin: germline.
Comment: The ESPN c.2150A>G variant is predicted to result in the amino acid substitution p.Asn717Ser. To our knowledge, this variant has not been reported in the literature. This variant is reported in 0.010% of alleles in individuals of Ashkenazi Jewish descent in gnomAD. At this time, the clinical significance of this variant is uncertain due to the absence of conclusive functional and genetic evidence.

Ambry Genetics
Classification: Uncertain significance for Inborn genetic diseases. Last evaluated: 2023-09-13. Review status: criteria provided, single submitter. Criteria: Ambry Variant Classification Scheme 2023. Collection method: clinical testing. Allele origin: germline.

Blueprint Genetics
Classification: Uncertain significance. Last evaluated: 2022-02-15. Review status: criteria provided, single submitter. Criteria: ACMG Guidelines, 2015. Collection method: clinical testing. Allele origin: germline.

Centre for Mendelian Genomics, University Medical Centre Ljubljana
Classification: Uncertain significance for Sensorineural hearing loss disorder. Last evaluated: 2017-01-01. Review status: criteria provided, single submitter. Criteria: ACMG Guidelines, 2015. Collection method: clinical testing. Allele origin: unknown. Affected: yes.

Clinical Genetics DNA and cytogenetics Diagnostics Lab, Erasmus MC, Erasmus Medical Center
Classification: Uncertain significance. Review status: no assertion criteria provided. Collection method: clinical testing. Allele origin: germline. Affected: yes. Study: VKGL Data-share Consensus. Not counted in ClinVar's aggregate classification.

Joint Genome Diagnostic Labs from Nijmegen and Maastricht, Radboudumc and MUMC+
Classification: Uncertain significance. Review status: no assertion criteria provided. Collection method: clinical testing. Allele origin: germline. Affected: yes. Study: VKGL Data-share Consensus. Not counted in ClinVar's aggregate classification.

NM_031475.3(ESPN):c.2150A>G (p.Asn717Ser)

Gene: ESPN (espin; plus strand). Cytogenetic location: 1p36.31.
Variant type: single nucleotide variant.
Coding change: c.2150A>G on transcript NM_031475.3 (MANE Select); coding-DNA position 2150, A replaced by G.
Protein change: p.Asn717Ser; replaces asparagine 717 with serine.
Molecular consequence: missense variant.
Genome position (GRCh38, 1-based): chr1:6,451,921, A>G. VCF-style: chr1-6451921-A-G. GRCh37 (hg19) VCF-style: chr1-6511981-A-G.
Other names: c.2060A>G, p.Asn687Ser (NM_001367473.1); c.2087A>G, p.Asn696Ser (NM_001367474.1); short protein forms N717S, N696S, N687S.
Identifiers: ClinVar variation 523541 (VCV000523541.9), dbSNP rs921702586, ClinGen allele CA560403.